The following is an entry in ClinVar:

NM_020297.4(ABCC9):c.47A>G (p.Asn16Ser)

Gene: ABCC9 (ATP binding cassette subfamily C member 9; minus strand). Cytogenetic location: 12p12.1.
Variant type: single nucleotide variant.
Coding change: c.47A>G on transcript NM_020297.4 (MANE Select); coding-DNA position 47, A replaced by G.
Protein change: p.Asn16Ser; replaces asparagine 16 with serine.
Molecular consequence: missense variant. On other transcripts: 5 prime UTR variant (1).
Genome position (GRCh38, 1-based): chr12:21,936,628, T>C on the plus strand (A>G on the coding strand, the complement: ABCC9 is on the minus strand). VCF-style: chr12-21936628-T-C. GRCh37 (hg19) VCF-style: chr12-22089562-T-C.
Other names: c.47A>G, p.Asn16Ser (NM_001377273.1, NM_005691.4); c.-408A>G (NM_001377274.1); short protein forms N16S.
Identifiers: ClinVar variation 162700 (VCV000162700.10), dbSNP rs727502877, ClinGen allele CA175175.

ClinVar aggregate classification (germline): Conflicting classifications of pathogenicity. Review status: criteria provided, conflicting classifications (1 of 4 stars). 3 submissions from 3 submitters: Uncertain significance (2); Likely benign (1). Last evaluated 2025-06-13.

Conditions:
Cardiovascular phenotype. Identifiers: MedGen CN230736.
Dilated cardiomyopathy 1O (CMD1O). Also called: CARDIOMYOPATHY, DILATED, WITH VENTRICULAR TACHYCARDIA. Identifiers: Orphanet 154, MedGen C1837839, MONDO:0012062, OMIM 608569.

Allele frequency attached by ClinVar (database versions not stated): ExAC 0.00001; gnomAD 0.00001; gnomAD exomes 0.00001 and 0.00002; TOPMed 0.00002.
gnomAD v4.1: 10 of 1,611,142 alleles (0.00062%); highest among the groups gnomAD compares: Admixed American, 0.012%; no homozygotes.

Submissions (3):

Ambry Genetics
Classification: Likely benign for Cardiovascular phenotype. Last evaluated: 2025-06-13. Review status: criteria provided, single submitter. Criteria: Ambry Variant Classification Scheme 2023. Collection method: clinical testing. Allele origin: germline.

Labcorp Genetics (formerly Invitae), Labcorp
Classification: Uncertain significance for Dilated cardiomyopathy 1O. Last evaluated: 2025-03-11. Review status: criteria provided, single submitter. Criteria: Invitae Variant Classification Sherloc (09022015). Collection method: clinical testing. Allele origin: germline.
Comment: This sequence change replaces asparagine, which is neutral and polar, with serine, which is neutral and polar, at codon 16 of the ABCC9 protein (p.Asn16Ser). This variant is present in population databases (rs727502877, gnomAD 0.009%). This variant has not been reported in the literature in individuals affected with ABCC9-related conditions. ClinVar contains an entry for this variant (Variation ID: 162700). Invitae Evidence Modeling of protein sequence and biophysical properties (such as structural, functional, and spatial information, amino acid conservation, physicochemical variation, residue mobility, and thermodynamic stability) indicates that this missense variant is not expected to disrupt ABCC9 protein function with a negative predictive value of 95%. In summary, the available evidence is currently insufficient to determine the role of this variant in disease. Therefore, it has been classified as a Variant of Uncertain Significance.

Laboratory for Molecular Medicine, Mass General Brigham Personalized Medicine
Classification: Uncertain significance. Last evaluated: 2013-11-01. Review status: criteria provided, single submitter. Criteria: LMM Criteria. Collection method: clinical testing. Allele origin: germline. Observed: 2 variant alleles.
Comment: Variant classified as Uncertain Significance - Favor Benign. The Asn16Ser varian t in ABCC9 has not been previously reported in individuals with cardiomyopathy a nd was absent from large population studies. Asparagine (Asn) at position 16 is poorly conserved in evolution and at least 1 species (shrew, a mammal) carries t he variant amino acid (serine, Ser), raising the possibility that this change ma y be tolerated. Additional computational analyses (biochemical amino acid proper ties, AlignGVGD, PolyPhen2, and SIFT) suggest that this variant may not impact t he protein, though this information is not predictive enough to rule out pathoge nicity. In summary, the lack of evolutionary conservation suggests that this var iant may be more likely benign, but additional information is needed to fully as sess its clinical significance.